The following is an entry in ClinVar:

ClinVar aggregate classification (germline): Uncertain significance (1 of 4 stars; one submission).

Conditions:
Cardiovascular phenotype. Identifiers: MedGen CN230736.

Submission:

Ambry Genetics
Classification: Uncertain significance for Cardiovascular phenotype. Last evaluated: 2026-09-11. Review status: criteria provided, single submitter. Criteria: Ambry Variant Classification Scheme 2023. Collection method: clinical testing. Allele origin: germline.
Comment: The p.A758V variant (also known as c.2273C>T), located in coding exon 14 of the DSG2 gene, results from a C to T substitution at nucleotide position 2273. The alanine at codon 758 is replaced by valine, an amino acid with similar properties. This amino acid position is conserved. In addition, this alteration is predicted to be tolerated by in silico analysis. Based on the available evidence, the clinical significance of this variant remains unclear.

NM_001943.5(DSG2):c.2273C>T (p.Ala758Val)

Genes: DSG2 (desmoglein 2; plus strand), DSG2-AS1 (DSG2 antisense RNA 1; minus strand). Cytogenetic location: 18q12.1.
Variant type: single nucleotide variant.
Coding change: c.2273C>T on transcript NM_001943.5 (MANE Select); coding-DNA position 2273, C replaced by T.
Protein change: p.Ala758Val; replaces alanine 758 with valine.
Molecular consequence: missense variant.
Genome position (GRCh38, 1-based): chr18:31,542,791, C>T. VCF-style: chr18-31542791-C-T. GRCh37 (hg19) VCF-style: chr18-29122754-C-T.
Other names: short protein forms A758V.
Identifiers: ClinVar variation 4015027 (VCV004015027.2).
Genomic context (GRCh38, chr18:31,542,791, plus strand): 5'-CTATCATGACCACTGAAACCACGAAGACCGCAAGGGCCACAGGGGCTTCCAGAGACATGG[C>T]CGGAGCTCAGGCAGCTGCTGTTGCACTGAACGAAGAATTCTTAAGAAATTATTTCACTGA-3'
Protein context (NP_001934.2, residues 748-768): ARATGASRDM[Ala758Val]GAQAAAVALN